The following is an entry in ClinVar:

NM_005245.4(FAT1):c.13412C>T (p.Ala4471Val)

Genes: FAT1 (FAT atypical cadherin 1; minus strand), LOC126807253 (BRD4-independent group 4 enhancer GRCh37_chr4:187509297-187510496; plus strand). Cytogenetic location: 4q35.2.
Variant type: single nucleotide variant.
Coding change: c.13412C>T on transcript NM_005245.4 (MANE Select); coding-DNA position 13412, C replaced by T.
Protein change: p.Ala4471Val; replaces alanine 4471 with valine.
Molecular consequence: missense variant.
Genome position (GRCh38, 1-based): chr4:186,588,947, G>A on the plus strand (C>T on the coding strand, the complement: FAT1 is on the minus strand). VCF-style: chr4-186588947-G-A. GRCh37 (hg19) VCF-style: chr4-187510101-G-A.
Other names: short protein forms A4471V.
Identifiers: ClinVar variation 2600103 (VCV002600103.4), dbSNP rs375425015, ClinGen allele CA3164535.

ClinVar aggregate classification (germline): Conflicting classifications of pathogenicity. Review status: criteria provided, conflicting classifications (1 of 4 stars). 2 submissions from 2 submitters: Uncertain significance (1); Likely benign (1). Last evaluated 2024-05-01.

Conditions:
Inborn genetic diseases. Identifiers: MedGen C0950123, MeSH D030342.

Allele frequency attached by ClinVar (database versions not stated): ExAC 0.00002; gnomAD exomes 0.00002; gnomAD 0.00005; TOPMed 0.00005; ESP Exome Variant Server 0.00008; 1000 Genomes Project 30x 0.00016.
gnomAD v4.1: 38 of 1,613,968 alleles (0.0024%); highest among the groups gnomAD compares: African/African-American, 0.004%; no homozygotes.

Submissions (2):

Labcorp Genetics (formerly Invitae), Labcorp
Classification: Uncertain significance. Last evaluated: 2024-05-01. Review status: criteria provided, single submitter. Criteria: Invitae Variant Classification Sherloc (09022015). Collection method: clinical testing. Allele origin: germline.
Comment: This sequence change replaces alanine, which is neutral and non-polar, with valine, which is neutral and non-polar, at codon 4471 of the FAT1 protein (p.Ala4471Val). This variant is present in population databases (rs375425015, gnomAD 0.01%). This variant has not been reported in the literature in individuals affected with FAT1-related conditions. ClinVar contains an entry for this variant (Variation ID: 2600103). Algorithms developed to predict the effect of missense changes on protein structure and function output the following: SIFT: "Not Available"; PolyPhen-2: "Benign"; Align-GVGD: "Not Available". The valine amino acid residue is found in multiple mammalian species, which suggests that this missense change does not adversely affect protein function. In summary, the available evidence is currently insufficient to determine the role of this variant in disease. Therefore, it has been classified as a Variant of Uncertain Significance.

Ambry Genetics
Classification: Likely benign for Inborn genetic diseases. Last evaluated: 2023-11-03. Review status: criteria provided, single submitter. Criteria: Ambry Variant Classification Scheme 2023. Collection method: clinical testing. Allele origin: germline.